The following is an entry in ClinVar:

ClinVar aggregate classification (germline): Likely benign. Review status: criteria provided, multiple submitters, no conflicts (2 of 4 stars). 4 submissions from 4 submitters: Likely benign (4). Last evaluated 2025-06-15.

Conditions:
Epilepsy, childhood absence, susceptibility to, 6. Identifiers: Orphanet 64280, MedGen C2749872, MONDO:0012763, OMIM 611942.
Hyperaldosteronism, familial, type IV (HALD4). Also called: FH IV; ALDOSTERONISM, PRIMARY, AND HYPERTENSION. Identifiers: Orphanet 642671, MedGen C4310756, MONDO:0014875, OMIM 617027.
Idiopathic generalized epilepsy. Also called: EIG; Generalised epilepsy. Identifiers: MedGen C0270850, MONDO:0005579, OMIM 600669.

Allele frequency attached by ClinVar (database versions not stated): ExAC 0.00016; gnomAD 0.00019 and 0.00021; gnomAD exomes 0.00020 and 0.00042; TOPMed 0.00023; ESP Exome Variant Server 0.00048.

Submissions (4):

Labcorp Genetics (formerly Invitae), Labcorp
Classification: Likely benign for Idiopathic generalized epilepsy; Hyperaldosteronism, familial, type IV. Last evaluated: 2025-06-15. Review status: criteria provided, single submitter. Criteria: Invitae Variant Classification Sherloc (09022015). Collection method: clinical testing. Allele origin: germline.

Blueprint Genetics
Classification: Likely benign. Last evaluated: 2024-09-09. Review status: criteria provided, single submitter. Criteria: ACMG Guidelines, 2015. Collection method: clinical testing. Allele origin: germline.

CeGaT Center for Human Genetics Tuebingen
Classification: Likely benign. Last evaluated: 2023-01-01. Review status: criteria provided, single submitter. Criteria: CeGaT Center For Human Genetics Tuebingen Variant Classification Criteria Version 2. Collection method: clinical testing. Allele origin: germline. Affected: yes. Observed: 1 variant allele.
Comment: CACNA1H: BP4, BP7

Fulgent Genetics
Classification: Likely benign for Epilepsy, childhood absence, susceptibility to, 6; Hyperaldosteronism, familial, type IV. Last evaluated: 2021-10-06. Review status: criteria provided, single submitter. Criteria: ACMG Guidelines, 2015. Collection method: clinical testing. Allele origin: unknown.

NM_021098.3(CACNA1H):c.624C>T (p.Arg208=)

Gene: CACNA1H (calcium voltage-gated channel subunit alpha1 H; plus strand). Cytogenetic location: 16p13.3.
Variant type: single nucleotide variant.
Coding change: c.624C>T on transcript NM_021098.3 (MANE Select); coding-DNA position 624, C replaced by T.
Protein change: p.Arg208=; no amino-acid change (arginine 208 retained).
Molecular consequence: synonymous variant.
Genome position (GRCh38, 1-based): chr16:1,196,004, C>T. VCF-style: chr16-1196004-C-T. GRCh37 (hg19) VCF-style: chr16-1246004-C-T.
Other names: c.624C>T, p.Arg208= (NM_001005407.2).
Identifiers: ClinVar variation 766940 (VCV000766940.36), dbSNP rs56816479, ClinGen allele CA7799519.